The following is an entry in ClinVar:

ClinVar aggregate classification (germline): Likely pathogenic (1 of 4 stars; one submission).

Conditions:
Primary ciliary dyskinesia 22. Also called: CILIARY DYSKINESIA, PRIMARY, 22, WITH OR WITHOUT SITUS INVERSUS. Identifiers: Orphanet 244, MedGen C3809543, MONDO:0014192, OMIM 615444.

Submission:

Laboratorio de Genetica e Diagnostico Molecular, Hospital Israelita Albert Einstein
Classification: Likely pathogenic for Primary ciliary dyskinesia 22. Last evaluated: 2022-09-23. Review status: criteria provided, single submitter. Criteria: ACMG Guidelines, 2015. Collection method: clinical testing. Allele origin: germline. Affected: yes. Observed: 1 variant allele.
Comment: ACMG classification criteria: PVS1 strong, PM2 moderated

NM_015896.4(ZMYND10):c.510+1del

Gene: ZMYND10 (zinc finger MYND-type containing 10; minus strand). Cytogenetic location: 3p21.31.
Variant type: Deletion.
Coding change: c.510+1del on transcript NM_015896.4 (MANE Select); the canonical splice donor site of the intron after coding-DNA position 510, one base deleted (G; older notation c.510+1delG).
Molecular consequence: splice donor variant.
Genome position (GRCh38, 1-based): chr3:50,343,306, C deleted on the plus strand (G on the coding strand, the reverse complement: ZMYND10 is on the minus strand); the first of 2 consecutive C bases (chr3:50,343,306-50,343,307); deleting either gives the same sequence. VCF-style (leftmost placement, unchanged base first): chr3-50343305-AC-A. GRCh37 (hg19) VCF-style: chr3-50380736-AC-A.
Other names: c.510+1del (NM_001308379.2).
Identifiers: ClinVar variation 2431468 (VCV002431468.1), dbSNP rs1298463059, ClinGen allele CA543053683.